The following is an entry in ClinVar:

NM_000138.5(FBN1):c.4905C>T (p.Thr1635=)

Gene: FBN1 (fibrillin 1; minus strand). Cytogenetic location: 15q21.1.
Variant type: single nucleotide variant.
Coding change: c.4905C>T on transcript NM_000138.5 (MANE Select); coding-DNA position 4905, C replaced by T.
Protein change: p.Thr1635=; no amino-acid change (threonine 1635 retained).
Molecular consequence: synonymous variant.
Genome position (GRCh38, 1-based): chr15:48,465,605, G>A on the plus strand (C>T on the coding strand, the complement: FBN1 is on the minus strand). VCF-style: chr15-48465605-G-A. GRCh37 (hg19) VCF-style: chr15-48757802-G-A.
Identifiers: ClinVar variation 263869 (VCV000263869.19), dbSNP rs113115949, ClinGen allele CA10587824.

ClinVar aggregate classification (germline): Likely benign. Review status: criteria provided, multiple submitters, no conflicts (2 of 4 stars). 4 submissions from 4 submitters: Likely benign (4). Last evaluated 2023-12-02.

Conditions:
Marfan syndrome (MFS). Also called: MARFAN SYNDROME, TYPE I; FBN1-Related Marfan Syndrome; Marfan syndrome, classic; Marfan syndrome type 1; Marfan's syndrome. Identifiers: Orphanet 284963, Orphanet 558, MedGen C0024796, MONDO:0007947, OMIM 154700.
Familial thoracic aortic aneurysm and aortic dissection (TAAD). Also called: Thoracic aortic aneurysms and dissections. Identifiers: Orphanet 91387, MedGen C4707243, MONDO:0019625.

Allele frequency attached by ClinVar (database versions not stated): TOPMed 0.00001.
gnomAD v4.1: 12 of 1,614,060 alleles (0.00074%); highest among the groups gnomAD compares: Non-Finnish European, 0.001%; no homozygotes.

Submissions (4):

Labcorp Genetics (formerly Invitae), Labcorp
Classification: Likely benign for Marfan syndrome; Familial thoracic aortic aneurysm and aortic dissection. Last evaluated: 2023-12-02. Review status: criteria provided, single submitter. Criteria: Invitae Variant Classification Sherloc (09022015). Collection method: clinical testing. Allele origin: germline.

All of Us Research Program, National Institutes of Health
Classification: Likely benign for Marfan syndrome. Last evaluated: 2023-10-02. Review status: criteria provided, single submitter. Criteria: ACMG Guidelines, 2015. Collection method: clinical testing. Allele origin: germline. Inheritance: Autosomal dominant inheritance. Observed: 4 variant alleles, 4 heterozygotes.
Comment: This study involves interpretation of variants in research participants for the purpose of population health screening. Participant phenotype was not available at the time of variant classification. Additional details can be found in publication PMID: 35346344, PMCID: PMC8962531

Color Diagnostics, LLC DBA Color Health
Classification: Likely benign for Familial thoracic aortic aneurysm and aortic dissection. Last evaluated: 2019-05-04. Review status: criteria provided, single submitter. Criteria: ACMG Guidelines, 2015. Collection method: clinical testing. Allele origin: germline.

Ambry Genetics
Classification: Likely benign for Familial thoracic aortic aneurysm and aortic dissection. Last evaluated: 2014-11-19. Review status: criteria provided, single submitter. Criteria: Ambry Variant Classification Scheme 2023. Collection method: clinical testing. Allele origin: germline.